The following is an entry in ClinVar:

NM_002691.4(POLD1):c.1173C>T (p.Asp391=)

Gene: POLD1 (DNA polymerase delta 1, catalytic subunit; plus strand). Cytogenetic location: 19q13.33.
Variant type: single nucleotide variant.
Coding change: c.1173C>T on transcript NM_002691.4 (MANE Select); coding-DNA position 1173, C replaced by T.
Protein change: p.Asp391=; no amino-acid change (aspartic acid 391 retained).
Molecular consequence: synonymous variant. On other transcripts: non-coding transcript variant (1).
Genome position (GRCh38, 1-based): chr19:50,403,528, C>T. VCF-style: chr19-50403528-C-T. GRCh37 (hg19) VCF-style: chr19-50906785-C-T.
Other names: c.1173C>T, p.Asp391= (NM_001256849.1, NM_001308632.1).
Identifiers: ClinVar variation 380706 (VCV000380706.40), dbSNP rs2230244, ClinGen allele CA9596057.

ClinVar aggregate classification (germline): Benign. Review status: criteria provided, multiple submitters, no conflicts (2 of 4 stars). 17 submissions from 17 submitters: Benign (13). 4 of the submissions do not count toward it. Last evaluated 2026-02-04.

Conditions:
Carcinoma of colon (CRC). Also called: Colon carcinoma; Colonic carcinoma. Identifiers: MedGen C0699790, MONDO:0002032.
POLD1-related polyposis and colorectal cancer syndrome (CRCS10). Also called: Colorectal cancer, susceptibility to, 10; Colorectal cancer 10; COLORECTAL CANCER, SUSCEPTIBILITY TO, ON CHROMOSOME 19q. Identifiers: Orphanet 220460, MedGen C2675481, MONDO:0012953, OMIM 612591.
Hereditary cancer-predisposing syndrome. Also called: Tumor predisposition; Hereditary Cancer Syndrome; Hereditary neoplastic syndrome; Neoplastic Syndromes, Hereditary. Identifiers: Orphanet 140162, MedGen C0027672, MeSH D009386, MONDO:0015356.

Allele frequency attached by ClinVar (database versions not stated): gnomAD exomes 0.00251 and 0.00698; ExAC 0.00823; gnomAD 0.02569 and 0.02764; 1000 Genomes Project 0.02736; ESP Exome Variant Server 0.02922; TOPMed 0.02954; 1000 Genomes Project 30x 0.03014.
gnomAD v4.1: 7,769 of 1,614,038 alleles (0.48%); highest among the groups gnomAD compares: African/African-American, 8.8%; 324 homozygotes.

Submissions (17):

Labcorp Genetics (formerly Invitae), Labcorp
Classification: Benign for POLD1-related polyposis and colorectal cancer syndrome. Last evaluated: 2026-02-04. Review status: criteria provided, single submitter. Criteria: Invitae Variant Classification Sherloc (09022015). Collection method: clinical testing. Allele origin: germline.

CeGaT Center for Human Genetics Tuebingen
Classification: Benign. Last evaluated: 2026-01-01. Review status: criteria provided, single submitter. Criteria: CeGaT Center For Human Genetics Tuebingen Variant Classification Criteria Version 2. Collection method: clinical testing. Allele origin: germline. Affected: yes. Observed: 1 variant allele.
Comment: POLD1: BP4, BP7, BS1, BS2

Center for Genomic Medicine, Rigshospitalet, Copenhagen University Hospital
Classification: Benign. Last evaluated: 2025-03-04. Review status: criteria provided, single submitter. Criteria: ACMG Guidelines, 2015. Collection method: clinical testing. Allele origin: germline.

Myriad Genetics, Inc.
Classification: Benign for POLD1-related polyposis and colorectal cancer syndrome. Last evaluated: 2025-02-05. Review status: criteria provided, single submitter. Criteria: Myriad Autosomal Dominant, Autosomal Recessive and X-Linked Classification Criteria (2023). Collection method: clinical testing. Allele origin: unknown.
Comment: This variant is considered benign. This variant is a silent/synonymous amino acid change and it is not expected to impact splicing.

Institute for Biomarker Research, Medical Diagnostic Laboratories, L.L.C.
Classification: Benign for Hereditary cancer-predisposing syndrome. Last evaluated: 2025-01-20. Review status: criteria provided, single submitter. Criteria: ACMG Guidelines, 2015. Collection method: clinical testing. Allele origin: germline.
Comment: The synonymous variant NM_001308632.1(POLD1):c.1173C>T (p.Asp391=) has been reported to ClinVar as Benign with a status of (2 stars) criteria provided, multiple submitters, no conflicts (Variation ID 380706 as of 2025-01-02). The variant is observed in one or more well-documented healthy adults. All background in 1kG, indicating it is a common benign variant. The p.Asp391= variant is not predicted to disrupt an existing splice site. The p.Asp391= variant results in a substitution of a base that is not predicted conserved by GERP++ and PhyloP. For these reasons, this variant has been classified as Benign

ARUP Laboratories, Molecular Genetics and Genomics, ARUP Laboratories
Classification: Benign. Last evaluated: 2023-10-20. Review status: criteria provided, single submitter. Criteria: ARUP Molecular Germline Variant Investigation Process 2024. Collection method: clinical testing. Allele origin: germline.

KCCC/NGS Laboratory, Kuwait Cancer Control Center
Classification: Benign for POLD1-related polyposis and colorectal cancer syndrome. Last evaluated: 2023-07-07. Review status: criteria provided, single submitter. Criteria: ACMG Guidelines, 2015. Collection method: clinical testing. Allele origin: germline. Affected: yes.

Quest Diagnostics Nichols Institute San Juan Capistrano
Classification: Benign. Last evaluated: 2020-08-14. Review status: criteria provided, single submitter. Criteria: Quest Diagnostics criteria. Collection method: clinical testing. Allele origin: unknown.

PreventionGenetics, part of Exact Sciences
Classification: Benign. Last evaluated: 2016-12-06. Review status: criteria provided, single submitter. Criteria: ACMG Guidelines, 2015. Collection method: clinical testing. Allele origin: germline.

Women's Health and Genetics/Laboratory Corporation of America, LabCorp
Classification: Benign. Last evaluated: 2016-08-26. Review status: criteria provided, single submitter. Criteria: LabCorp Variant Classification Summary - May 2015. Collection method: clinical testing. Allele origin: germline.
Comment: Variant summary: The POLD1 c.1173C>T (p.Asp391Asp) variant involves the alteration of a non-conserved nucleotide, resulting in a synonymous change. Mutation Taster predicts a polymorphism outcome for this variant. 5/5 splice prediction tools predict no significant impact on normal splicing. This variant was found in 999/121398 control chromosomes (42 homozygotes), predominantly observed in the African subpopulation at a frequency of 0.0874495 (910/10406). This frequency is about 6156 times the estimated maximal expected allele frequency of a pathogenic POLD1 variant (0.0000142), suggesting this is a common benign polymorphism found primarily in the populations of African origin. The variant of interest has not, to our knowledge, been reported in affected individuals via publications. Taken together, this variant is classified as Benign.

GeneDx
Classification: Benign. Last evaluated: 2015-11-13. Review status: criteria provided, single submitter. Criteria: GeneDx Variant Classification (06012015). Collection method: clinical testing. Allele origin: germline. Affected: yes.
Comment: This variant is considered likely benign or benign based on one or more of the following criteria: it is a conservative change, it occurs at a poorly conserved position in the protein, it is predicted to be benign by multiple in silico algorithms, and/or has population frequency not consistent with disease.

Ambry Genetics
Classification: Benign for Hereditary cancer-predisposing syndrome. Last evaluated: 2015-05-20. Review status: criteria provided, single submitter. Criteria: Ambry Variant Classification Scheme 2023. Collection method: clinical testing. Allele origin: germline.

Breakthrough Genomics
Classification: Benign. Review status: criteria provided, single submitter. Criteria: ACMG Guidelines, 2015. Collection method: not provided. Allele origin: germline. Inheritance: Autosomal dominant inheritance. Affected: yes.

True Health Diagnostics
Classification: Likely benign for Hereditary cancer-predisposing syndrome. Last evaluated: 2017-10-25. Review status: no assertion criteria provided. Collection method: clinical testing. Allele origin: germline. Not counted in ClinVar's aggregate classification.

Clinical Genetics, Academic Medical Center
Classification: Benign. Review status: no assertion criteria provided. Collection method: clinical testing. Allele origin: germline. Affected: yes. Study: VKGL Data-share Consensus. Not counted in ClinVar's aggregate classification.

Department of Pathology and Laboratory Medicine, Sinai Health System
Classification: Benign for Carcinoma of colon. Review status: no assertion criteria provided. Collection method: clinical testing. Allele origin: unknown. Affected: yes. Study: The Canadian Open Genetics Repository (COGR). Not counted in ClinVar's aggregate classification.
Comment: The POLD1 p.Asp391= variant was identified in dbSNP (ID: rs2230244) â€šÃ„ÃºWith Benign alleleâ€šÃ„Ã¹, ClinVar (classified benign by GeneDx, Invitae, Ambry Genetics and Quest Diagnostics Nichols Institute San Juan Capistrano), and in control databases in 2422 (97 homozygous) of 277198 chromosomes at a frequency of 0.009 increasing the likelihood this could be a low frequency benign variant (Genome Aggregation Database Feb 27, 2017). Breakdown of the observations by population include African in 2125 (97 homozygous) of 24026 chromosomes (freq: 0.09), Other in 25 of 6466 chromosomes (freq: 0.004), Latino in 230 of 34420 chromosomes (freq: 0.007), European Non-Finnish in 39 of 126692 chromosomes (freq: 0.0003), Ashkenazi Jewish in 1 of 10152 chromosomes (freq: 0.0001), European Finnish in 1 of 25792 chromosomes (freq: 0.00004), and South Asian in 1 of 30780 chromosomes (freq: 0.00003), while not observed in the East Asian population. The p.Asp391= variant is not expected to have clinical significance because it does not result in a change of amino acid and is not located in a known consensus splice site. In addition, in silico or computational prediction software programs (SpliceSiteFinder, MaxEntScan, NNSPLICE, GeneSplicer, HumanSpliceFinder) do not predict a difference in splicing. In summary, based on the above information this variant meets our laboratory's criteria to be classified as benign.

Genome Diagnostics Laboratory, Amsterdam University Medical Center
Classification: Benign. Review status: no assertion criteria provided. Collection method: clinical testing. Allele origin: germline. Affected: yes. Study: VKGL Data-share Consensus. Not counted in ClinVar's aggregate classification.